The following is an entry in ClinVar:

NM_000104.4(CYP1B1):c.1159G>A (p.Glu387Lys)

Gene: CYP1B1 (cytochrome P450 family 1 subfamily B member 1; minus strand). Cytogenetic location: 2p22.2.
Variant type: single nucleotide variant.
Coding change: c.1159G>A on transcript NM_000104.4 (MANE Select); coding-DNA position 1159, G replaced by A.
Protein change: p.Glu387Lys; replaces glutamic acid 387 with lysine.
Molecular consequence: missense variant.
Genome position (GRCh38, 1-based): chr2:38,071,195, C>T on the plus strand (G>A on the coding strand, the complement: CYP1B1 is on the minus strand). VCF-style: chr2-38071195-C-T. GRCh37 (hg19) VCF-style: chr2-38298338-C-T.
Other names: NM_000104.4(CYP1B1):c.1159G>A; short protein forms E387K.
Identifiers: ClinVar variation 7735 (VCV000007735.66), dbSNP rs55989760, ClinGen allele CA254241.

ClinVar aggregate classification (germline): Pathogenic. Review status: reviewed by expert panel (3 of 4 stars). 20 submissions from 19 submitters: Pathogenic (1). 19 of the submissions do not count toward it. Last evaluated 2025-11-19.

Conditions:
CYP1B1-related glaucoma with or without anterior segment dysgenesis. Identifiers: MedGen CN375931, MONDO:0800472.
CYP1B1-related disorder. Also called: CYP1B1-Related Disorders. Identifiers: MedGen CN239260.
Anterior segment dysgenesis 6 (ASGD6). Also called: Anterior segment dysgenesis 6, multiple subtypes. Identifiers: MedGen C4310623, MONDO:0015016, OMIM 617315.
Glaucoma 3A. Also called: Glaucoma 3, primary congenital, A. Identifiers: Orphanet 98976, Orphanet 98977, MedGen C1856439, MONDO:0009277, OMIM 231300.
Congenital glaucoma. Identifiers: MedGen C0020302, MONDO:0020366.
Glaucoma of childhood. Also called: Childhood glaucoma; Infantile glaucoma; Pediatric glaucoma; Juvenile open angle glaucoma; Developmental glaucoma. Identifiers: Orphanet 98977, MedGen C2981140, MONDO:0020367, HP:0001087.
Primary congenital glaucoma. Also called: Primary congenital glaucoma (disease). Identifiers: MedGen C1533041, MONDO:0000365, HP:0008007.

Allele frequency attached by ClinVar (database versions not stated): gnomAD 0.00017 and 0.00018; TOPMed 0.00025; gnomAD exomes 0.00026 and 0.00029; ExAC 0.00034.

Submissions 1 to 10 of 20:

ClinGen Glaucoma Variant Curation Expert Panel
Classification: Pathogenic for CYP1B1-related glaucoma with or without anterior segment dysgenesis. Last evaluated: 2025-11-19. Review status: reviewed by expert panel. Criteria: ClinGen CYP1B1 ACMG Specifications V1 Approved. Collection method: curation. Allele origin: germline. Inheritance: Autosomal recessive inheritance.
Comment: The c.1159G>A variant in CYP1B1 is a missense variant predicted to cause substitution of Glutamic acid by Lysine at amino acid 387 (p.Glu387Lys). The highest minor allele frequency of this variant was in the Admixed American genetic ancestry group of gnomAD (v4.1) = 0.0004333 (26 alleles out of 59998), which met the ≤ 0.0005 threshold set for PM2_Supporting in a genetic ancestry group of at least 2,000 alleles. The REVEL score = 0.961, which met the ≥ 0.932 threshold for PP3_Strong, predicting a damaging effect on CYP1B1 function. PS3_Supporting was not applied as the assay reported did not meet the OddsPath threshold (> 2.1) (PMIDs: 23218183, 27243976) or the threshold for abnormal impact on protein function in the assay could not be determined (PMID: 27243976). 3 affected segregations with a CYP1B1-related phenotype have been reported (PMID: 18414103), which fulfilled PP1_Strong. There were more family studies published than presented here. This variant has been identified in five individuals with a CYP1B1-related phenotype. Three of these individuals are compound heterozygous for the variant and a pathogenic or likely pathogenic variant (confirmed in trans) (PMIDs: 21815720, 23218701). Two individuals are homozygous (non-consanguineous) for the variant (PMIDs: 21081970, 16735994). Total proband points = 4, meeting PM3_Very strong. There were more cases published than presented here. There were more cases published than presented here. In summary, this variant met the criteria to receive a score of 17 and to be classified as pathogenic (pathogenic classification ≥ 10, adapted from PMID: 32720330) for CYP1B1-related glaucoma with or without anterior segment dysgenesis (ASD) based on the ACMG/AMP criteria met, as specified by the ClinGen Glaucoma VCEP (v1.0, 06.11.2025): PM3_Very strong, PP1_Strong, PP3_Strong, PM2_Supporting.

Labcorp Genetics (formerly Invitae), Labcorp
Classification: Pathogenic for Congenital glaucoma. Last evaluated: 2026-01-19. Review status: criteria provided, single submitter. Criteria: Invitae Variant Classification Sherloc (09022015). Collection method: clinical testing. Allele origin: germline. Not counted in ClinVar's aggregate classification.
Comment: This sequence change replaces glutamic acid, which is acidic and polar, with lysine, which is basic and polar, at codon 387 of the CYP1B1 protein (p.Glu387Lys). This variant is present in population databases (rs55989760, gnomAD 0.05%). This missense change has been observed in individual(s) with primary congenital glaucoma (PCG) (PMID: 9497261, 10227395, 15342693, 18414103, 21081970, 21600657, 23218183, 25109919, 27272408, 27820421). It is commonly reported in individuals of Slovak ancestry (PMID: 9497261, 10227395, 15342693, 18414103, 21081970, 21600657, 23218183, 25109919, 27272408, 27820421). ClinVar contains an entry for this variant (Variation ID: 7735). Invitae Evidence Modeling of protein sequence and biophysical properties (such as structural, functional, and spatial information, amino acid conservation, physicochemical variation, residue mobility, and thermodynamic stability) indicates that this missense variant is expected to disrupt CYP1B1 protein function with a positive predictive value of 95%. Experimental studies have shown that this missense change affects CYP1B1 function (PMID: 18227148, 23218183, 27243976). For these reasons, this variant has been classified as Pathogenic.

Dasa
Classification: Pathogenic. Last evaluated: 2025-10-10. Review status: criteria provided, single submitter. Criteria: DASA Assertion Criteria. Collection method: clinical testing. Allele origin: germline. Not counted in ClinVar's aggregate classification.
Comment: NM_000104.4(CYP1B1):c.1159G>A (p.Glu387Lys) is a missense variant that results in the substitution of glutamic acid with lysine. Functional evidence supports a deleterious effect on the gene or gene product (PMID: 9497261; PMID: 15342693; PMID: 18414103; PMID: 18227148; PMID: 23218183). This variant has been recurrently observed in individuals with related phenotype (PMID: 9497261; PMID: 15342693; PMID: 18414103; PMID: 18227148; PMID: 23218183). Segregation evidence has been reported in affected families. Multiple computational predictions support a deleterious effect on the gene or gene product. The variant is present at low frequency in population datasets. Based on the available data, this variant is classified as pathogenic.

Revvity Omics, Revvity
Classification: Pathogenic. Last evaluated: 2025-05-21. Review status: criteria provided, single submitter. Criteria: ACMG Guidelines, 2015. Collection method: clinical testing. Allele origin: germline. Not counted in ClinVar's aggregate classification.

3billion
Classification: Pathogenic for Glaucoma 3A. Last evaluated: 2025-02-21. Review status: criteria provided, single submitter. Criteria: ACMG Guidelines, 2015. Collection method: clinical testing. Allele origin: germline. Affected: yes. Not counted in ClinVar's aggregate classification.
Comment: The variant is observed at an extremely low frequency in the gnomAD v4.1.0 dataset (total allele frequency: 0.025%). Predicted Consequence/Location: Missense variant In silico tool predictions suggest damaging effect of the variant on gene or gene product [REVEL: 0.96 (>=0.6, sensitivity 0.68 and specificity 0.92); 3Cnet: 0.61 (>=0.6, sensitivity 0.72 and precision 0.9)]. The same nucleotide change resulting in the same amino acid change has been previously reported as pathogenic/likely pathogenic with strong evidence (ClinVar ID: VCV000007735 /PMID: 9497261 /3billion dataset). The variant has been reported to be in trans with a pathogenic variant as either compound heterozygous or homozygous in at least 2 similarly affected unrelated individuals (PMID: 15342693, 23218183, 25109919). The variant has been reported to co-segregate with the disease in at least 3 similarly affected relatives/individuals in the same family or similarly affected unrelated families (PMID: 15342693). Therefore, this variant is classified as Pathogenic according to the recommendation of ACMG/AMP guideline.

PreventionGenetics, part of Exact Sciences
Classification: Pathogenic for CYP1B1-related condition. Last evaluated: 2025-02-12. Review status: criteria provided, single submitter. Criteria: ACMG Guidelines, 2015. Collection method: clinical testing. Allele origin: germline. Not counted in ClinVar's aggregate classification.
Comment: The CYP1B1 c.1159G>A variant is predicted to result in the amino acid substitution p.Glu387Lys. This variant has been reported many times in the homozygous and compound heterozygous states in individuals with congenital glaucoma (see, for example, Plásilová et al. 1999. PubMed ID: 10227395; Martin et al. 2000. PubMed ID: 10851252; Reis et al. 2016. PubMed ID: 27272408). It has also been described as a founder variant in the Slovak Roma population (Plásilová et al. 1999. PubMed ID: 10227395). In vitro experimental studies indicate this variant abolishes enzyme activity (López-Garrido et al. 2013. PubMed ID: 23218183; Banerjee et al. 2016. PubMed ID: 27243976). This variant is reported in 0.048% of alleles in individuals of Latino descent in gnomAD. This variant has been classified as pathogenic by multiple independent submitters in ClinVar. Given the evidence, we interpret this variant as pathogenic.

Blueprint Genetics
Classification: Pathogenic for CYP1B1-related disorders. Last evaluated: 2024-07-23. Review status: criteria provided, single submitter. Criteria: ACMG Guidelines, 2015. Collection method: clinical testing. Allele origin: germline. Affected: yes. Observed: 5 variant alleles. Not counted in ClinVar's aggregate classification.

Fulgent Genetics
Classification: Pathogenic for Glaucoma 3A; Anterior segment dysgenesis 6. Last evaluated: 2024-05-02. Review status: criteria provided, single submitter. Criteria: ACMG Guidelines, 2015. Collection method: clinical testing. Allele origin: germline. Not counted in ClinVar's aggregate classification.

Baylor Genetics
Classification: Pathogenic for Anterior segment dysgenesis 6. Last evaluated: 2024-03-21. Review status: criteria provided, single submitter. Criteria: ACMG Guidelines, 2015. Collection method: clinical testing. Allele origin: unknown. Not counted in ClinVar's aggregate classification.

Clinical Genetics Laboratory, Skane University Hospital Lund
Classification: Pathogenic. Last evaluated: 2022-05-27. Review status: criteria provided, single submitter. Criteria: ACMG Guidelines, 2015. Collection method: clinical testing. Allele origin: germline. Affected: yes. Not counted in ClinVar's aggregate classification.